The following is an entry in ClinVar:

ClinVar aggregate classification (germline): Uncertain significance (1 of 4 stars; one submission).

Conditions:
Granulomatous disease, chronic, X-linked. Also called: CYTOCHROME b-NEGATIVE GRANULOMATOUS DISEASE, CHRONIC, X-LINKED; GRANULOMATOUS DISEASE, CHRONIC, X-LINKED, SOMATIC MOSAIC. Identifiers: Orphanet 379, MedGen C1844376, MONDO:0010600, OMIM 306400.

Submission:

Labcorp Genetics (formerly Invitae), Labcorp
Classification: Uncertain significance for Granulomatous disease, chronic, X-linked. Last evaluated: 2023-08-04. Review status: criteria provided, single submitter. Criteria: Invitae Variant Classification Sherloc (09022015). Collection method: clinical testing. Allele origin: germline.
Comment: Advanced modeling of protein sequence and biophysical properties (such as structural, functional, and spatial information, amino acid conservation, physicochemical variation, residue mobility, and thermodynamic stability) performed at Invitae indicates that this missense variant is not expected to disrupt CYBB protein function. In summary, the available evidence is currently insufficient to determine the role of this variant in disease. Therefore, it has been classified as a Variant of Uncertain Significance. This sequence change replaces valine, which is neutral and non-polar, with alanine, which is neutral and non-polar, at codon 6 of the CYBB protein (p.Val6Ala). This variant is not present in population databases (gnomAD no frequency). This variant has not been reported in the literature in individuals affected with CYBB-related conditions.

NM_000397.4(CYBB):c.17T>C (p.Val6Ala)

Gene: CYBB (cytochrome b-245 beta chain; plus strand). Cytogenetic location: Xp21.1.
Variant type: single nucleotide variant.
Coding change: c.17T>C on transcript NM_000397.4 (MANE Select); coding-DNA position 17, T replaced by C.
Protein change: p.Val6Ala; replaces valine 6 with alanine.
Molecular consequence: missense variant.
Genome position (GRCh38, 1-based): chrX:37,780,094, T>C. VCF-style: chrX-37780094-T-C. GRCh37 (hg19) VCF-style: chrX-37639347-T-C.
Other names: short protein forms V6A.
Identifiers: ClinVar variation 2800664 (VCV002800664.3), dbSNP rs2519189211, ClinGen allele CA412971938.